The following is an entry in ClinVar:

NM_001853.4(COL9A3):c.999C>T (p.Asn333=)

Gene: COL9A3 (collagen type IX alpha 3 chain; plus strand). Cytogenetic location: 20q13.33.
Variant type: single nucleotide variant.
Coding change: c.999C>T on transcript NM_001853.4 (MANE Select); coding-DNA position 999, C replaced by T.
Protein change: p.Asn333=; no amino-acid change (asparagine 333 retained).
Molecular consequence: synonymous variant.
Genome position (GRCh38, 1-based): chr20:62,828,967, C>T. VCF-style: chr20-62828967-C-T. GRCh37 (hg19) VCF-style: chr20-61460319-C-T.
Other names: c.999C>T (NM_001853.3).
Identifiers: ClinVar variation 1627394 (VCV001627394.10), dbSNP rs531882222, ClinGen allele CA9949650.
Genomic context (GRCh38, chr20:62,828,967, plus strand): 5'-ATCTCTGTCCTCACAGGGAGAGGCTGGTCGCAACGGTGCTCCGGGAGAGAAGGGCCCCAA[C>T]GGGCTGCCGGTGAGTGCCCGGCGGGTGGGGCCAGCCTGGGGCGCCACAGCTTCTGCCTGC-3'
Protein context (NP_001844.3, residues 323-343): RNGAPGEKGP[Asn333=]GLPGLPGRAG

ClinVar aggregate classification (germline): Likely benign. Review status: criteria provided, multiple submitters, no conflicts (2 of 4 stars). 3 submissions from 3 submitters: Likely benign (3). Last evaluated 2026-05-17.

Conditions:
COL9A3-related disorder. Also called: COL9A3-related condition.

Allele frequency attached by ClinVar (database versions not stated): gnomAD 0.00001; TOPMed 0.00002.
gnomAD v4.1: 59 of 1,607,410 alleles (0.0037%); highest among the groups gnomAD compares: South Asian, 0.041%; 1 homozygote.

Submissions (3):

PreventionGenetics, part of Exact Sciences
Classification: Likely benign for COL9A3-related condition. Last evaluated: 2026-05-17. Review status: criteria provided, single submitter. Criteria: ACMG Guidelines, 2015. Collection method: clinical testing. Allele origin: germline.
Comment: This variant is classified as likely benign based on ACMG/AMP sequence variant interpretation guidelines (Richards et al. 2015 PMID: 25741868, with internal and published modifications).

Labcorp Genetics (formerly Invitae), Labcorp
Classification: Likely benign. Last evaluated: 2025-06-03. Review status: criteria provided, single submitter. Criteria: Invitae Variant Classification Sherloc (09022015). Collection method: clinical testing. Allele origin: germline.

Blueprint Genetics
Classification: Likely benign. Last evaluated: 2024-07-11. Review status: criteria provided, single submitter. Criteria: ACMG Guidelines, 2015. Collection method: clinical testing. Allele origin: germline.